The following is an entry in ClinVar:

ClinVar aggregate classification (germline): Benign/Likely benign. Review status: criteria provided, multiple submitters, no conflicts (2 of 4 stars). 5 submissions from 5 submitters: Benign (2); Likely benign (3). Last evaluated 2026-03-01.

Conditions:
Idiopathic generalized epilepsy. Also called: EIG; Generalised epilepsy. Identifiers: MedGen C0270850, MONDO:0005579, OMIM 600669.
Hyperaldosteronism, familial, type IV (HALD4). Also called: FH IV; ALDOSTERONISM, PRIMARY, AND HYPERTENSION. Identifiers: Orphanet 642671, MedGen C4310756, MONDO:0014875, OMIM 617027.

Allele frequency attached by ClinVar (database versions not stated): gnomAD 0.00161 and 0.00170; ExAC 0.00168; TOPMed 0.00071; 1000 Genomes Project 30x 0.00078; 1000 Genomes Project 0.00100; gnomAD exomes 0.00128 and 0.00158; ESP Exome Variant Server 0.00144.
gnomAD v4.1: 2,121 of 1,612,560 alleles (0.13%); highest among the groups gnomAD compares: Non-Finnish European, 0.12%; 10 homozygotes.

Submissions (5):

CeGaT Center for Human Genetics Tuebingen
Classification: Benign. Last evaluated: 2026-03-01. Review status: criteria provided, single submitter. Criteria: CeGaT Center For Human Genetics Tuebingen Variant Classification Criteria Version 2. Collection method: clinical testing. Allele origin: germline. Affected: yes. Observed: 4 variant alleles.
Comment: CACNA1H: BS1, BS2

Labcorp Genetics (formerly Invitae), Labcorp
Classification: Benign for Idiopathic generalized epilepsy; Hyperaldosteronism, familial, type IV. Last evaluated: 2026-01-19. Review status: criteria provided, single submitter. Criteria: Invitae Variant Classification Sherloc (09022015). Collection method: clinical testing. Allele origin: germline.

Blueprint Genetics
Classification: Likely benign. Last evaluated: 2024-11-22. Review status: criteria provided, single submitter. Criteria: ACMG Guidelines, 2015. Collection method: clinical testing. Allele origin: germline.

GeneDx
Classification: Likely benign. Last evaluated: 2020-12-16. Review status: criteria provided, single submitter. Criteria: GeneDx Variant Classification Process June 2021. Collection method: clinical testing. Allele origin: germline. Affected: yes.
Comment: In silico analysis, which includes protein predictors and evolutionary conservation, supports that this variant does not alter protein structure/function; Has not been previously published as pathogenic or benign to our knowledge

Breakthrough Genomics
Classification: Likely benign. Review status: criteria provided, single submitter. Criteria: ACMG Guidelines, 2015. Collection method: not provided. Allele origin: germline. Inheritance: Autosomal dominant inheritance. Affected: yes.

NM_021098.3(CACNA1H):c.6934A>G (p.Met2312Val)

Gene: CACNA1H (calcium voltage-gated channel subunit alpha1 H; plus strand). Cytogenetic location: 16p13.3.
Variant type: single nucleotide variant.
Coding change: c.6934A>G on transcript NM_021098.3 (MANE Select); coding-DNA position 6934, A replaced by G.
Protein change: p.Met2312Val; replaces methionine 2312 with valine.
Molecular consequence: missense variant.
Genome position (GRCh38, 1-based): chr16:1,220,866, A>G. VCF-style: chr16-1220866-A-G. GRCh37 (hg19) VCF-style: chr16-1270866-A-G.
Other names: c.6916A>G, p.Met2306Val (NM_001005407.2); short protein forms M2312V, M2306V.
Identifiers: ClinVar variation 460180 (VCV000460180.40), dbSNP rs58535913, ClinGen allele CA7802554.